The following is an entry in ClinVar:

NM_006514.4(SCN10A):c.5504C>A (p.Ser1835Ter)

Gene: SCN10A (sodium voltage-gated channel alpha subunit 10; minus strand). Cytogenetic location: 3p22.2.
Variant type: single nucleotide variant.
Coding change: c.5504C>A on transcript NM_006514.4 (MANE Select); coding-DNA position 5504, C replaced by A.
Protein change: p.Ser1835Ter; replaces serine 1835 with a stop codon.
Molecular consequence: nonsense.
Genome position (GRCh38, 1-based): chr3:38,697,716, G>T on the plus strand (C>A on the coding strand, the complement: SCN10A is on the minus strand). VCF-style: chr3-38697716-G-T. GRCh37 (hg19) VCF-style: chr3-38739207-G-T.
Other names: c.5501C>A, p.Ser1834Ter (NM_001293306.2); c.5210C>A, p.Ser1737Ter (NM_001293307.2); short protein forms S1737*, S1835*, S1834*.
Identifiers: ClinVar variation 4160535 (VCV004160535.1).

ClinVar aggregate classification (germline): Uncertain significance (1 of 4 stars; one submission).

Conditions:
Cardiovascular phenotype. Identifiers: MedGen CN230736.

gnomAD v4.1: 1 of 1,614,110 alleles (0.000062%); highest among the groups gnomAD compares: Non-Finnish European, 0.000085%; no homozygotes.

Submission:

Ambry Genetics
Classification: Uncertain significance for Cardiovascular phenotype. Last evaluated: 2025-06-19. Review status: criteria provided, single submitter. Criteria: Ambry Variant Classification Scheme 2023. Collection method: clinical testing. Allele origin: germline.
Comment: The p.S1835* variant (also known as c.5504C>A), located in coding exon 27 of the SCN10A gene, results from a C to A substitution at nucleotide position 5504. This changes the amino acid from a serine to a stop codon within coding exon 27. This alteration occurs at the 3' terminus of theSCN10A gene, is not expected to trigger nonsense-mediated mRNAdecay, and impacts the last 6% of the protein. The exact functional effect of this alteration is unknown. This alteration is expected to result in protein truncation. However, loss of function of SCN10A has not been established as a mechanism of disease. The evidence for this gene-disease relationship is limited; therefore, the clinical significance of this alteration is unclear.